The following is an entry in ClinVar:

NM_130837.3(OPA1):c.2154A>C (p.Lys718Asn)

Gene: OPA1 (OPA1 mitochondrial dynamin like GTPase; plus strand). Cytogenetic location: 3q29.
Variant type: single nucleotide variant.
Coding change: c.2154A>C on transcript NM_130837.3 (MANE Select); coding-DNA position 2154, A replaced by C.
Protein change: p.Lys718Asn; replaces lysine 718 with asparagine.
Molecular consequence: missense variant.
Genome position (GRCh38, 1-based): chr3:193,655,003, A>C. VCF-style: chr3-193655003-A-C. GRCh37 (hg19) VCF-style: chr3-193372792-A-C.
Other names: c.1620A>C, p.Lys540Asn (NM_001354663.2); c.1617A>C, p.Lys539Asn (NM_001354664.2); c.1989A>C, p.Lys663Asn (NM_015560.3); c.1881A>C, p.Lys627Asn (NM_130831.3); c.1935A>C, p.Lys645Asn (NM_130832.3); c.1992A>C, p.Lys664Asn (NM_130833.3); c.2043A>C, p.Lys681Asn (NM_130834.3); c.2046A>C, p.Lys682Asn (NM_130835.3); and 1 more; short protein forms K539N, K645N, K681N, K682N, K540N, K664N, K700N, K627N.
Identifiers: ClinVar variation 4997728 (VCV004997728.1).
Genomic context (GRCh38, chr3:193,655,003, plus strand): 5'-CATGAATTCAGGAACTTTTAACACCACAGTGGATATCAAGCTTAAACAGTGGACTGATAA[A>C]CAACTTCCTAATAAAGCAGTAGAGGTTAGGATATAATTTAATTAAATGGGTAAGAAGCAT-3'
Protein context (NP_570850.2, residues 708-728): VDIKLKQWTD[Lys718Asn]QLPNKAVEVA

ClinVar aggregate classification (germline): Uncertain significance (1 of 4 stars; one submission).

Conditions:
OPA1-related disorder. Also called: OPA1-related disorders; OPA1-related condition.

gnomAD v4.1: 9 of 1,613,812 alleles (0.00056%); highest among the groups gnomAD compares: South Asian, 0.0055%; no homozygotes.

Submission:

PreventionGenetics, part of Exact Sciences
Classification: Uncertain significance for OPA1-related condition. Last evaluated: 2026-08-12. Review status: criteria provided, single submitter. Criteria: ACMG Guidelines, 2015. Collection method: clinical testing. Allele origin: germline.
Comment: The OPA1 c.2154A>C variant is predicted to result in the amino acid substitution p.Lys718Asn. To our knowledge, this variant has not been reported in the literature. This variant is also referred to as c.1989A>C (p.Lys663Asn) on alternate transcript NM_015560. This variant is reported in 0.0033% of alleles in individuals of South Asian descent in gnomAD. At this time, the clinical significance of this variant is uncertain due to the absence of conclusive functional and genetic evidence.